The following is an entry in ClinVar:

NM_016194.4(GNB5):c.1009+1G>C

Gene: GNB5 (G protein subunit beta 5; minus strand). Cytogenetic location: 15q21.2.
Variant type: single nucleotide variant.
Coding change: c.1009+1G>C on transcript NM_016194.4 (MANE Select); the canonical splice donor site of the intron after coding-DNA position 1009, G replaced by C.
Molecular consequence: splice donor variant.
Genome position (GRCh38, 1-based): chr15:52,125,947, C>G on the plus strand (G>C on the coding strand, the complement: GNB5 is on the minus strand). VCF-style: chr15-52125947-C-G. GRCh37 (hg19) VCF-style: chr15-52418144-C-G.
Other names: c.883+1G>C (NM_006578.4); c.727+1G>C (NM_001379343.1).
Identifiers: ClinVar variation 3385342 (VCV003385342.2).
Genomic context (GRCh38, chr15:52,125,947, plus strand): 5'-GCTAGTTTCATTCTGGTCCTGTCTTACAGTCCTGGGAAAAGTTTCTGAAATAAAATCTTA[C>G]CACTGAGGGAGAAGTCCACGCTGGATGCTCCAAATATGATGCTTTCTTTGGAATAGATGG-3'

ClinVar aggregate classification (germline): Likely pathogenic (1 of 4 stars; one submission).

Conditions:
Lodder-Merla syndrome, type 1, with impaired intellectual development and cardiac arrhythmia. Also called: Gnb5-related intellectual disability-cardiac arrhythmia syndrome; Intellectual developmental disorder with cardiac arrhythmia. Identifiers: Orphanet 542306, MedGen C5568877, MONDO:0014953, OMIM 617173.

Submission:

Neurogenetics Team, Indira Gandhi Institute of Child Health
Classification: Likely pathogenic for Lodder-Merla syndrome, type 1, with impaired intellectual development and cardiac arrhythmia. Last evaluated: 2024-11-28. Review status: criteria provided, single submitter. Criteria: ACMG Guidelines, 2015. Collection method: clinical testing. Allele origin: biparental. Inheritance: Autosomal recessive inheritance. Affected: yes. Observed: 1 homozygote.
Comment: The identified variant, c.1009+1G>C is a splice donor variant. The variant is absent in population databases like gnomAD v2.1.1 (PM2). This is a null variant in a gene where loss of function is a known mechanism of disease causation. Multiple insilico tools predict the variant to affect splicing. Based on the above findings, the variant is classified as likely pathogenic.